The following is an entry in ClinVar:

NM_001844.5(COL2A1):c.1789G>A (p.Gly597Arg)

Gene: COL2A1 (collagen type II alpha 1 chain; minus strand). Cytogenetic location: 12q13.11.
Variant type: single nucleotide variant.
Coding change: c.1789G>A on transcript NM_001844.5 (MANE Select); coding-DNA position 1789, G replaced by A.
Protein change: p.Gly597Arg; replaces glycine 597 with arginine.
Molecular consequence: missense variant.
Genome position (GRCh38, 1-based): chr12:47,985,039, C>T on the plus strand (G>A on the coding strand, the complement: COL2A1 is on the minus strand). VCF-style: chr12-47985039-C-T. GRCh37 (hg19) VCF-style: chr12-48378822-C-T.
Other names: c.1582G>A, p.Gly528Arg (NM_033150.3); short protein forms G528R, G597R.
Identifiers: ClinVar variation 1066051 (VCV001066051.9), dbSNP rs2136564137, ClinGen allele CA384550625.

ClinVar aggregate classification (germline): Likely pathogenic (1 of 4 stars; one submission).

Submission:

Labcorp Genetics (formerly Invitae), Labcorp
Classification: Likely pathogenic. Last evaluated: 2022-12-06. Review status: criteria provided, single submitter. Criteria: Invitae Variant Classification Sherloc (09022015). Collection method: clinical testing. Allele origin: germline.
Comment: In summary, the currently available evidence indicates that the variant is pathogenic, but additional data are needed to prove that conclusively. Therefore, this variant has been classified as Likely Pathogenic. This variant disrupts the triple helix domain of COL2A1. Glycine residues within the Gly-Xaa-Yaa repeats of the triple helix domain are required for the structure and stability of fibrillar collagens (PMID: 7695699, 8218237, 19344236). In COL2A1, variants affecting these glycine residues are significantly enriched in individuals with disease (PMID: 9016532, 17078022) compared to the general population (ExAC). Advanced modeling of protein sequence and biophysical properties (such as structural, functional, and spatial information, amino acid conservation, physicochemical variation, residue mobility, and thermodynamic stability) performed at Invitae indicates that this missense variant is expected to disrupt COL2A1 protein function. ClinVar contains an entry for this variant (Variation ID: 1066051). This missense change has been observed in individual(s) with clinical features of COL2A1-related conditions (PMID: 35250876). This variant is not present in population databases (gnomAD no frequency). This sequence change replaces glycine, which is neutral and non-polar, with arginine, which is basic and polar, at codon 597 of the COL2A1 protein (p.Gly597Arg).

Literature cited by the submitters: PubMed 7695699; PubMed 8218237; PubMed 19344236; PubMed 9016532; PubMed 17078022; PubMed 35250876.